The following is an entry in ClinVar:

ClinVar aggregate classification (germline): Uncertain significance (1 of 4 stars; one submission).

Submission:

Ambry Genetics
Classification: Uncertain significance. Last evaluated: 2025-08-12. Review status: criteria provided, single submitter. Criteria: Ambry Variant Classification Scheme 2023. Collection method: clinical testing. Allele origin: germline.
Comment: The p.P1528A variant (also known as c.4582C>G), located in coding exon 19 of the WNK2 gene, results from a C to G substitution at nucleotide position 4582. The proline at codon 1528 is replaced by alanine, an amino acid with highly similar properties. This amino acid position is conserved. In addition, this alteration is predicted to be tolerated by in silico analysis. Based on the available evidence, the clinical significance of this variant remains unclear.

NM_006648.4(WNK2):c.4582C>G (p.Pro1528Ala)

Gene: WNK2 (WNK lysine deficient protein kinase 2; plus strand). Cytogenetic location: 9q22.31.
Variant type: single nucleotide variant.
Coding change: c.4582C>G on transcript NM_006648.4 (MANE Select); coding-DNA position 4582, C replaced by G.
Protein change: p.Pro1528Ala; replaces proline 1528 with alanine.
Molecular consequence: missense variant.
Genome position (GRCh38, 1-based): chr9:93,289,336, C>G. VCF-style: chr9-93289336-C-G. GRCh37 (hg19) VCF-style: chr9-96051618-C-G.
Other names: c.4693C>G, p.Pro1565Ala (NM_001282394.3); short protein forms P1565A, P1528A.
Identifiers: ClinVar variation 4201741 (VCV004201741.1).